The following is an entry in ClinVar:

NM_001365951.3(KIF1B):c.2161C>T (p.Arg721Ter)

Gene: KIF1B (kinesin family member 1B; plus strand). Cytogenetic location: 1p36.22.
Variant type: single nucleotide variant.
Coding change: c.2161C>T on transcript NM_001365951.3 (MANE Select); coding-DNA position 2161, C replaced by T.
Protein change: p.Arg721Ter; replaces arginine 721 with a stop codon.
Molecular consequence: nonsense.
Genome position (GRCh38, 1-based): chr1:10,320,088, C>T. VCF-style: chr1-10320088-C-T. GRCh37 (hg19) VCF-style: chr1-10380146-C-T.
Other names: c.2161C>T, p.Arg721Ter (NM_001365952.1); c.2023C>T, p.Arg675Ter (NM_015074.3); short protein forms R675*, R721*.
Identifiers: ClinVar variation 1784605 (VCV001784605.3), dbSNP rs1651461949, ClinGen allele CA338332334.

ClinVar aggregate classification (germline): Uncertain significance (1 of 4 stars; one submission).

Allele frequency attached by ClinVar (database versions not stated): gnomAD exomes below 0.00001.
gnomAD v4.1: 5 of 1,613,740 alleles (0.00031%); highest among the groups gnomAD compares: Non-Finnish European, 0.00042%; no homozygotes.

Submission:

Ambry Genetics
Classification: Uncertain significance. Last evaluated: 2023-08-25. Review status: criteria provided, single submitter. Criteria: Ambry Variant Classification Scheme 2023. Collection method: clinical testing. Allele origin: germline.
Comment: The p.R675* variant (also known as c.2023C>T), located in coding exon 20 of the KIF1B gene, results from a C to T substitution at nucleotide position 2023. This changes the amino acid from an arginine to a stop codon within coding exon 20. This alteration is expected to result in premature protein truncation or nonsense-mediated mRNA decay. However, the evidence for this gene-disease relationship is limited; therefore, the clinical significance of this alteration is unclear.